The following is an entry in ClinVar:

NM_000089.4(COL1A2):c.632G>A (p.Gly211Asp)

Gene: COL1A2 (collagen type I alpha 2 chain; plus strand). Cytogenetic location: 7q21.3.
Variant type: single nucleotide variant.
Coding change: c.632G>A on transcript NM_000089.4 (MANE Select); coding-DNA position 632, G replaced by A.
Protein change: p.Gly211Asp; replaces glycine 211 with aspartic acid.
Molecular consequence: missense variant.
Genome position (GRCh38, 1-based): chr7:94,407,884, G>A. VCF-style: chr7-94407884-G-A. GRCh37 (hg19) VCF-style: chr7-94037196-G-A.
Other names: c.632G>A (NM_000089.3); short protein forms G211D.
Identifiers: ClinVar variation 1459490 (VCV001459490.9), dbSNP rs72656378, ClinGen allele CA162917449.
Genomic context (GRCh38, chr7:94,407,884, plus strand): 5'-AAACTCAATCCTTCTCCATGTAGGGTGAACCTGGTGCCCCTGGTGAAAATGGAACTCCAG[G>A]TCAAACAGTAAGTATTGACTACTTCATTGTAAATTTAAATGTGTACACTCTTTATGAGAT-3'
Protein context (NP_000080.2, residues 201-221): PGAPGENGTP[Gly211Asp]QTGARGLPGE

ClinVar aggregate classification (germline): Pathogenic/Likely pathogenic. Review status: criteria provided, multiple submitters, no conflicts (2 of 4 stars). 4 submissions from 4 submitters: Pathogenic (3); Likely pathogenic (1). Last evaluated 2025-02-04.

Conditions:
COL1A2-related disorder. Also called: COL1A2-Related Disorders; COL1A2-related condition.
Osteogenesis imperfecta type I (OI1). Also called: Lobstein disease; Osteogenesis imperfecta type 1; Lobstein's Disease; Classic Non-deforming Osteogenesis Imperfecta with Blue Sclerae; OI, TYPE I; OSTEOGENESIS IMPERFECTA TARDA. Identifiers: Orphanet 216796, Orphanet 666, MedGen C0023931, MONDO:0008146, OMIM 166200. Disease mechanism: loss of function.
Ehlers-Danlos syndrome, classic type, 1 (EDSCL1). Also called: Ehlers-Danlos syndrome, type 1; Ehlers-Danlos Syndrome, Classic Type, COL5A1-Related; EDS I; EHLERS-DANLOS SYNDROME, GRAVIS TYPE; EHLERS-DANLOS SYNDROME, SEVERE CLASSIC TYPE. Identifiers: MedGen C0268335, MONDO:0019567, OMIM 130000.

Allele frequency attached by ClinVar (database versions not stated): gnomAD exomes below 0.00001.

Submissions (4):

3billion
Classification: Pathogenic for Osteogenesis imperfecta type I. Last evaluated: 2025-02-04. Review status: criteria provided, single submitter. Criteria: ACMG Guidelines, 2015. Collection method: clinical testing. Allele origin: germline. Affected: yes.
Comment: The variant is observed at an extremely low frequency in the gnomAD v4.1.0 dataset (total allele frequency: <0.001%). Predicted Consequence/Location: The variant is located in a mutational hot spot and/or well-established functional domain in which established pathogenic variants have been reported (PMID: 17078022). Missense variant. Missense changes are a common disease-causing mechanism. In silico tool predictions suggest damaging effect of the variant on gene or gene product [REVEL: 0.99 (>=0.6, sensitivity 0.68 and specificity 0.92); 3Cnet: 0.99 (>=0.6, sensitivity 0.72 and precision 0.9)]. The same nucleotide change resulting in the same amino acid change has been previously reported as pathogenic/likely pathogenic with strong evidence (ClinVar ID: VCV001459490 /PMID: 8829649). A different missense change at the same codon (p.Gly211Val) has been reported to be associated with COL1A2-related disorder (PMID: 28378289). Therefore, this variant is classified as Pathogenic according to the recommendation of ACMG/AMP guideline.

PreventionGenetics, part of Exact Sciences
Classification: Pathogenic for COL1A2-related condition. Last evaluated: 2023-04-17. Review status: criteria provided, single submitter. Criteria: ACMG Guidelines, 2015. Collection method: clinical testing. Allele origin: germline.
Comment: The COL1A2 c.632G>A variant is predicted to result in the amino acid substitution p.Gly211Asp. The p.Gly211 amino acid is located in the conserved Gly-Xaa-Yaa triple helical domain where substitutions of a glycine are usually pathogenic (Marini et al. 2007. PubMed ID: 17078022). This variant was reported in at least two individuals with osteogenesis imperfecta (reported as Gly121 in Table 4, Zhuang et al. 1996. PubMed ID: 8829649; Table S1, Chen et al. 2022. PubMed ID: 35154279). In addition, a different variant affecting the same amino acid (Gly211Val) was reported in one individual with osteogenesis imperfecta (Bardai. 2017. PubMed ID: 28378289). This variant has not been reported in a large population database, indicating this variant is rare. This variant is interpreted as pathogenic.

Blueprint Genetics
Classification: Likely pathogenic for COL1A2-related disorders. Last evaluated: 2022-01-05. Review status: criteria provided, single submitter. Criteria: ACMG Guidelines, 2015. Collection method: clinical testing. Allele origin: germline. Affected: yes. Observed: 1 variant allele.

Labcorp Genetics (formerly Invitae), Labcorp
Classification: Pathogenic for Osteogenesis imperfecta type I; Ehlers-Danlos syndrome, classic type, 1. Last evaluated: 2021-12-29. Review status: criteria provided, single submitter. Criteria: Invitae Variant Classification Sherloc (09022015). Collection method: clinical testing. Allele origin: germline.
Comment: For these reasons, this variant has been classified as Pathogenic. This variant disrupts the triple helix domain of COL1A2. Glycine residues within the Gly-Xaa-Yaa repeats of the triple helix domain are required for the structure and stability of fibrillar collagens (PMID: 7695699, 8218237, 19344236). In COL1A2, variants affecting these glycine residues are significantly enriched in individuals with disease (PMID: 9016532, 17078022) compared to the general population (ExAC). Advanced modeling of protein sequence and biophysical properties (such as structural, functional, and spatial information, amino acid conservation, physicochemical variation, residue mobility, and thermodynamic stability) performed at Invitae indicates that this missense variant is expected to disrupt COL1A2 protein function. This variant is also known as p.Gly121Asp. This missense change has been observed in individual(s) with autosomal dominant osteogenesis imperfecta (PMID: 8829649, 22589248). This variant is not present in population databases (gnomAD no frequency). This sequence change replaces glycine, which is neutral and non-polar, with aspartic acid, which is acidic and polar, at codon 211 of the COL1A2 protein (p.Gly211Asp).

Literature cited by the submitters: PubMed 8829649 (cited by 3billion and Labcorp Genetics (formerly Invitae), Labcorp); PubMed 28378289 (cited by 3billion); PubMed 7695699 (cited by Labcorp Genetics (formerly Invitae), Labcorp); PubMed 8218237 (cited by Labcorp Genetics (formerly Invitae), Labcorp); PubMed 19344236 (cited by Labcorp Genetics (formerly Invitae), Labcorp); PubMed 9016532 (cited by Labcorp Genetics (formerly Invitae), Labcorp); PubMed 17078022 (cited by Labcorp Genetics (formerly Invitae), Labcorp); PubMed 22589248 (cited by Labcorp Genetics (formerly Invitae), Labcorp).